The following is an entry in ClinVar:

ClinVar aggregate classification (germline): Uncertain significance. Review status: criteria provided, multiple submitters, no conflicts (2 of 4 stars). 2 submissions from 2 submitters: Uncertain significance (2). Last evaluated 2021-12-18.

Conditions:
Ehlers-Danlos syndrome, dermatosparaxis type. Also called: Ehlers-Danlos syndrome, type VII, autosomal recessive; EDS VIIC; Dermatosparaxis. Identifiers: Orphanet 1901, MedGen C2700425, MONDO:0009161, OMIM 225410.

Submissions (2):

Labcorp Genetics (formerly Invitae), Labcorp
Classification: Uncertain significance for Ehlers-Danlos syndrome, dermatosparaxis type. Last evaluated: 2021-12-18. Review status: criteria provided, single submitter. Criteria: Invitae Variant Classification Sherloc (09022015). Collection method: clinical testing. Allele origin: germline.
Comment: This variant, c.78_101dup, results in the insertion of 8 amino acid(s) of the ADAMTS2 protein (p.Leu27_Pro34dup), but otherwise preserves the integrity of the reading frame. This variant is not present in population databases (gnomAD no frequency). This variant has not been reported in the literature in individuals affected with ADAMTS2-related conditions. Experimental studies and prediction algorithms are not available or were not evaluated, and the functional significance of this variant is currently unknown. In summary, the available evidence is currently insufficient to determine the role of this variant in disease. Therefore, it has been classified as a Variant of Uncertain Significance.

Fulgent Genetics
Classification: Uncertain significance for Ehlers-Danlos syndrome, dermatosparaxis type. Last evaluated: 2021-11-30. Review status: criteria provided, single submitter. Criteria: ACMG Guidelines, 2015. Collection method: clinical testing. Allele origin: unknown.

NM_014244.5(ADAMTS2):c.78_101dup (p.Leu27_Pro34dup)

Gene: ADAMTS2 (ADAM metallopeptidase with thrombospondin type 1 motif 2; minus strand). Cytogenetic location: 5q35.3.
Variant type: Duplication.
Coding change: c.78_101dup on transcript NM_014244.5 (MANE Select); coding-DNA positions 78 to 101, 24 bases duplicated (GCTCCTGCCGCCGCCGCCGCCGCC).
Protein change: p.Leu27_Pro34dup.
Molecular consequence: inframe insertion.
Genome position (GRCh38, 1-based): chr5:179,345,228-179,345,251, GGCGGCGGCGGCGGCGGCAGGAGC duplicated on the plus strand (GCTCCTGCCGCCGCCGCCGCCGCC on the coding strand, the reverse complement: ADAMTS2 is on the minus strand); duplicating any 24 consecutive bases within chr5:179,345,228-179,345,260 gives the same sequence; the c. name uses the placement nearest the transcript's 3' end. VCF-style (leftmost placement, unchanged base first): chr5-179345227-G-GGGCGGCGGCGGCGGCGGCAGGAGC. GRCh37 (hg19) VCF-style: chr5-178772228-G-GGGCGGCGGCGGCGGCGGCAGGAGC.
Other names: c.78_101dup, p.Leu27_Pro34dup (NM_021599.4).
Identifiers: ClinVar variation 1400251 (VCV001400251.4), dbSNP rs1757908540, ClinGen allele CA1085000600.